The following is an entry in ClinVar:

NM_004380.3(CREBBP):c.6227C>A (p.Ser2076Ter)

Gene: CREBBP (CREB binding lysine acetyltransferase; minus strand). Cytogenetic location: 16p13.3.
Variant type: single nucleotide variant.
Coding change: c.6227C>A on transcript NM_004380.3 (MANE Select); coding-DNA position 6227, C replaced by A.
Protein change: p.Ser2076Ter; replaces serine 2076 with a stop codon.
Molecular consequence: nonsense.
Genome position (GRCh38, 1-based): chr16:3,728,820, G>T on the plus strand (C>A on the coding strand, the complement: CREBBP is on the minus strand). VCF-style: chr16-3728820-G-T. GRCh37 (hg19) VCF-style: chr16-3778821-G-T.
Other names: c.6113C>A, p.Ser2038Ter (NM_001079846.1); short protein forms S2076*, S2038*.
Identifiers: ClinVar variation 2850263 (VCV002850263.3), dbSNP rs2151305375, ClinGen allele CA394553853.

ClinVar aggregate classification (germline): Pathogenic (1 of 4 stars; one submission).

Conditions:
Rubinstein-Taybi syndrome (RSTS). Identifiers: Orphanet 783, MedGen C0035934, MONDO:0019188.

Submission:

Labcorp Genetics (formerly Invitae), Labcorp
Classification: Pathogenic for Rubinstein-Taybi syndrome. Last evaluated: 2024-10-21. Review status: criteria provided, single submitter. Criteria: Invitae Variant Classification Sherloc (09022015). Collection method: clinical testing. Allele origin: germline.
Comment: This sequence change creates a premature translational stop signal (p.Ser2076*) in the CREBBP gene. While this is not anticipated to result in nonsense mediated decay, it is expected to disrupt the last 367 amino acid(s) of the CREBBP protein. This variant is not present in population databases (gnomAD no frequency). This premature translational stop signal has been observed in individual(s) with congenital heart disease (PMID: 32601476). This variant disrupts a region of the CREBBP protein in which other variant(s) (p.Gln2136Argfs*8) have been determined to be pathogenic (internal data). This suggests that this is a clinically significant region of the protein, and that variants that disrupt it are likely to be disease-causing. For these reasons, this variant has been classified as Pathogenic.

Literature cited by the submitters: PubMed 32601476.